The following is an entry in ClinVar:

NM_003482.4(KMT2D):c.6991del (p.Pro2330_Leu2331insTer)

Gene: KMT2D (lysine methyltransferase 2D; minus strand). Cytogenetic location: 12q13.12.
Variant type: Deletion.
Coding change: c.6991del on transcript NM_003482.4 (MANE Select); coding-DNA position 6991, one base deleted (C; older notation c.6991delC).
Protein change: p.Pro2330_Leu2331insTer.
Molecular consequence: nonsense.
Genome position (GRCh38, 1-based): chr12:49,040,779, G deleted on the plus strand (C on the coding strand, the reverse complement: KMT2D is on the minus strand); the first of 6 consecutive G bases (chr12:49,040,779-49,040,784); deleting any one gives the same sequence. VCF-style (leftmost placement, unchanged base first): chr12-49040778-AG-A. GRCh37 (hg19) VCF-style: chr12-49434561-AG-A.
Other names: NM_003482.4:c.6991del.
Identifiers: ClinVar variation 2412726 (VCV002412726.1), dbSNP rs1592136317, ClinGen allele CA645579703.

ClinVar aggregate classification (germline): Pathogenic (1 of 4 stars; one submission).

Conditions:
Choanal atresia-athelia-hypothyroidism-delayed puberty-short stature syndrome (BCAHH). Also called: BRANCHIAL ARCH ABNORMALITIES, CHOANAL ATRESIA, ATHELIA, HEARING LOSS, AND HYPOTHYROIDISM SYNDROME. Identifiers: Orphanet 589856, MedGen C5680310, MONDO:0035651, OMIM 620186.

Submission:

Broad Center for Mendelian Genomics, Broad Institute of MIT and Harvard
Classification: Pathogenic for Choanal atresia-athelia-hypothyroidism-delayed puberty-short stature syndrome. Last evaluated: 2023-01-25. Review status: criteria provided, single submitter. Criteria: ACMG Guidelines, 2015. Collection method: curation. Allele origin: germline. Inheritance: Autosomal dominant inheritance.
Comment: Trio exome analysis showed this variant to be de novo. The p.Leu2331fsTer1 variant in KMT2D has been previously reported in one individual with Kabuki syndrome 1 (PMID: 23320472). This variant was absent from large population studies. This variant is predicted to cause a frameshift, which alters the protein‚Äôs amino acid sequence beginning at position 2331 and leads to a premature termination codon 1 amino acid downstream. This alteration is then predicted to lead to a truncated or absent protein. Heterozygous loss of function of the KMT2D gene is an established disease mechanism of autosomal dominant Kabuki syndrome 1. In summary, this variant meets criteria to be classified as pathogenic for autosomal dominant Kabuki syndrome 1. ACMG/AMP Criteria applied: PVS1, PS2_Supporting, PS4_Supporting, PM2_Supporting (Richards 2015).